The following is an entry in ClinVar:

NM_006236.3(POU3F3):c.922C>A (p.His308Asn)

Gene: POU3F3 (POU class 3 homeobox 3; plus strand). Cytogenetic location: 2q12.1.
Variant type: single nucleotide variant.
Coding change: c.922C>A on transcript NM_006236.3 (MANE Select); coding-DNA position 922, C replaced by A.
Protein change: p.His308Asn; replaces histidine 308 with asparagine.
Molecular consequence: missense variant.
Genome position (GRCh38, 1-based): chr2:104,856,432, C>A. VCF-style: chr2-104856432-C-A. GRCh37 (hg19) VCF-style: chr2-105472890-C-A.
Other names: short protein forms H308N.
Identifiers: ClinVar variation 1703319 (VCV001703319.2), dbSNP rs2466876446, ClinGen allele CA348097792.

ClinVar aggregate classification (germline): Uncertain significance (1 of 4 stars; one submission).

Submission:

GeneDx
Classification: Uncertain significance. Last evaluated: 2022-02-23. Review status: criteria provided, single submitter. Criteria: GeneDx Variant Classification Process June 2021. Collection method: clinical testing. Allele origin: germline. Affected: yes.
Comment: Not observed at significant frequency in large population cohorts (gnomAD); In silico analysis supports that this missense variant has a deleterious effect on protein structure/function; Has not been previously published as pathogenic or benign to our knowledge